The following is an entry in ClinVar:

NM_033641.4(COL4A6):c.2829G>C (p.Lys943Asn)

Gene: COL4A6 (collagen type IV alpha 6 chain; minus strand). Cytogenetic location: Xq22.3.
Variant type: single nucleotide variant.
Coding change: c.2829G>C on transcript NM_033641.4 (MANE Select); coding-DNA position 2829, G replaced by C.
Protein change: p.Lys943Asn; replaces lysine 943 with asparagine.
Molecular consequence: missense variant.
Genome position (GRCh38, 1-based): chrX:108,175,655, C>G on the plus strand (G>C on the coding strand, the complement: COL4A6 is on the minus strand). VCF-style: chrX-108175655-C-G. GRCh37 (hg19) VCF-style: chrX-107418885-C-G.
Other names: c.2880G>C, p.Lys960Asn (NM_001287758.2); c.2829G>C, p.Lys943Asn (NM_001287759.2, NM_001287760.2); c.2832G>C, p.Lys944Asn (NM_001847.4); short protein forms K943N, K944N, K960N.
Identifiers: ClinVar variation 3495538 (VCV003495538.3).

ClinVar aggregate classification (germline): Uncertain significance. Review status: criteria provided, multiple submitters, no conflicts (2 of 4 stars). 2 submissions from 2 submitters: Uncertain significance (2). Last evaluated 2025-01-06.

gnomAD v4.1: 15 of 1,196,346 alleles (0.0013%); highest among the groups gnomAD compares: East Asian, 0.033%; no homozygotes.

Submissions (2):

Labcorp Genetics (formerly Invitae), Labcorp
Classification: Uncertain significance. Last evaluated: 2025-01-06. Review status: criteria provided, single submitter. Criteria: Invitae Variant Classification Sherloc (09022015). Collection method: clinical testing. Allele origin: germline.
Comment: This sequence change replaces lysine, which is basic and polar, with asparagine, which is neutral and polar, at codon 944 of the COL4A6 protein (p.Lys944Asn). This variant is present in population databases (rs200979736, gnomAD 0.03%). This missense change has been observed in individual(s) with deafness (internal data). An algorithm developed to predict the effect of missense changes on protein structure and function (PolyPhen-2) suggests that this variant is likely to be disruptive. In summary, the available evidence is currently insufficient to determine the role of this variant in disease. Therefore, it has been classified as a Variant of Uncertain Significance.

Ambry Genetics
Classification: Uncertain significance. Last evaluated: 2024-10-09. Review status: criteria provided, single submitter. Criteria: Ambry Variant Classification Scheme 2023. Collection method: clinical testing. Allele origin: germline.